The following is an entry in ClinVar:

ClinVar aggregate classification (germline): Uncertain significance (1 of 4 stars; one submission).

gnomAD v4.1: 3 of 1,576,898 alleles (0.00019%); highest among the groups gnomAD compares: Admixed American, 0.0036%; no homozygotes.

Submission:

Ambry Genetics
Classification: Uncertain significance. Last evaluated: 2025-01-06. Review status: criteria provided, single submitter. Criteria: Ambry Variant Classification Scheme 2023. Collection method: clinical testing. Allele origin: germline.
Comment: The p.S631N variant (also known as c.1892G>A), located in coding exon 8 of the WNK2 gene, results from a G to A substitution at nucleotide position 1892. The serine at codon 631 is replaced by asparagine, an amino acid with highly similar properties. This amino acid position is conserved. In addition, this alteration is predicted to be tolerated by in silico analysis. Based on the available evidence, the clinical significance of this variant remains unclear.

NM_006648.4(WNK2):c.1892G>A (p.Ser631Asn)

Gene: WNK2 (WNK lysine deficient protein kinase 2; plus strand). Cytogenetic location: 9q22.31.
Variant type: single nucleotide variant.
Coding change: c.1892G>A on transcript NM_006648.4 (MANE Select); coding-DNA position 1892, G replaced by A.
Protein change: p.Ser631Asn; replaces serine 631 with asparagine.
Molecular consequence: missense variant.
Genome position (GRCh38, 1-based): chr9:93,252,940, G>A. VCF-style: chr9-93252940-G-A. GRCh37 (hg19) VCF-style: chr9-96015222-G-A.
Other names: c.1892G>A, p.Ser631Asn (NM_001282394.3); short protein forms S631N.
Identifiers: ClinVar variation 3816751 (VCV003816751.1).
Genomic context (GRCh38, chr9:93,252,940, plus strand): 5'-CAGCGGACAGCACCTTCGACAGCGGCCAGGGCTCTACCGTGTACTCAGACTCGCAGAGCA[G>A]CCAGCAGAGCGTGATGCTTGGCTCCCTTGCCGACGCAGCGCCGTCCCCGGCCCAGTGTGT-3'
Protein context (NP_006639.3, residues 621-641): GSTVYSDSQS[Ser631Asn]QQSVMLGSLA